The following is an entry in ClinVar:

NM_005359.6(SMAD4):c.562A>C (p.Asn188His)

Gene: SMAD4 (SMAD family member 4; plus strand). Cytogenetic location: 18q21.2.
Variant type: single nucleotide variant.
Coding change: c.562A>C on transcript NM_005359.6 (MANE Select); coding-DNA position 562, A replaced by C.
Protein change: p.Asn188His; replaces asparagine 188 with histidine.
Molecular consequence: missense variant.
Genome position (GRCh38, 1-based): chr18:51,054,888, A>C. VCF-style: chr18-51054888-A-C. GRCh37 (hg19) VCF-style: chr18-48581258-A-C.
Other names: c.562A>C (NM_005359.5); short protein forms N188H.
Identifiers: ClinVar variation 1489271 (VCV001489271.7), dbSNP rs2144418756, ClinGen allele CA402460976.
Genomic context (GRCh38, chr18:51,054,888, plus strand): 5'-GGACAGCCATCGTTGTCCACTGAAGGACATTCAATTCAAACCATCCAGCATCCACCAAGT[A>C]ATCGTGCATCGACAGAGACATACAGCACCCCAGCTCTGTTAGCCCCATCTGAGTCTAATG-3'
Protein context (NP_005350.1, residues 178-198): SIQTIQHPPS[Asn188His]RASTETYSTP

ClinVar aggregate classification (germline): Uncertain significance. Review status: criteria provided, multiple submitters, no conflicts (2 of 4 stars). 2 submissions from 2 submitters: Uncertain significance (2). Last evaluated 2025-05-10.

Conditions:
Familial thoracic aortic aneurysm and aortic dissection (TAAD). Also called: Thoracic aortic aneurysms and dissections. Identifiers: Orphanet 91387, MedGen C4707243, MONDO:0019625.
Hereditary cancer-predisposing syndrome. Also called: Neoplastic Syndromes, Hereditary; Tumor predisposition; Hereditary neoplastic syndrome; Hereditary Cancer Syndrome. Identifiers: Orphanet 140162, MedGen C0027672, MeSH D009386, MONDO:0015356.
Juvenile polyposis syndrome (JPS). Identifiers: Orphanet 2929, MedGen C0345893, MONDO:0017380, OMIM 174900.

gnomAD v4.1: 1 of 1,614,096 alleles (0.000062%); highest among the groups gnomAD compares: Non-Finnish European, 0.000085%; no homozygotes.

Submissions (2):

Ambry Genetics
Classification: Uncertain significance for Hereditary cancer-predisposing syndrome; Familial thoracic aortic aneurysm and aortic dissection. Last evaluated: 2025-05-10. Review status: criteria provided, single submitter. Criteria: Ambry Variant Classification Scheme 2023. Collection method: clinical testing. Allele origin: germline.
Comment: The p.N188H variant (also known as c.562A>C), located in coding exon 4 of the SMAD4 gene, results from an A to C substitution at nucleotide position 562. The asparagine at codon 188 is replaced by histidine, an amino acid with similar properties. This amino acid position is conserved. In addition, this alteration is predicted to be tolerated by in silico analysis. Based on the available evidence, the clinical significance of this variant remains unclear.

Labcorp Genetics (formerly Invitae), Labcorp
Classification: Uncertain significance for Juvenile polyposis syndrome. Last evaluated: 2021-11-15. Review status: criteria provided, single submitter. Criteria: Invitae Variant Classification Sherloc (09022015). Collection method: clinical testing. Allele origin: germline.
Comment: This sequence change replaces asparagine, which is neutral and polar, with histidine, which is basic and polar, at codon 188 of the SMAD4 protein (p.Asn188His). This variant is not present in population databases (gnomAD no frequency). This variant has not been reported in the literature in individuals affected with SMAD4-related conditions. Advanced modeling of protein sequence and biophysical properties (such as structural, functional, and spatial information, amino acid conservation, physicochemical variation, residue mobility, and thermodynamic stability) performed at Invitae indicates that this missense variant is not expected to disrupt SMAD4 protein function. In summary, the available evidence is currently insufficient to determine the role of this variant in disease. Therefore, it has been classified as a Variant of Uncertain Significance.